The following is an entry in ClinVar:

ClinVar aggregate classification (germline): Uncertain significance (1 of 4 stars; one submission).

Conditions:
Marfan syndrome (MFS). Also called: MARFAN SYNDROME, TYPE I; Marfan syndrome type 1; Marfan's syndrome; Marfan syndrome, classic; FBN1-Related Marfan Syndrome. Identifiers: Orphanet 284963, Orphanet 558, MedGen C0024796, MONDO:0007947, OMIM 154700.
Familial thoracic aortic aneurysm and aortic dissection (TAAD). Also called: Thoracic aortic aneurysms and dissections. Identifiers: Orphanet 91387, MedGen C4707243, MONDO:0019625.

Submission:

Labcorp Genetics (formerly Invitae), Labcorp
Classification: Uncertain significance for Marfan syndrome; Familial thoracic aortic aneurysm and aortic dissection. Last evaluated: 2023-10-05. Review status: criteria provided, single submitter. Criteria: Invitae Variant Classification Sherloc (09022015). Collection method: clinical testing. Allele origin: germline.
Comment: This sequence change replaces isoleucine, which is neutral and non-polar, with asparagine, which is neutral and polar, at codon 866 of the FBN1 protein (p.Ile866Asn). This variant is not present in population databases (gnomAD no frequency). This variant has not been reported in the literature in individuals affected with FBN1-related conditions. Advanced modeling of protein sequence and biophysical properties (such as structural, functional, and spatial information, amino acid conservation, physicochemical variation, residue mobility, and thermodynamic stability) performed at Invitae indicates that this missense variant is expected to disrupt FBN1 protein function. In summary, the available evidence is currently insufficient to determine the role of this variant in disease. Therefore, it has been classified as a Variant of Uncertain Significance.

NM_000138.5(FBN1):c.2597T>A (p.Ile866Asn)

Gene: FBN1 (fibrillin 1; minus strand). Cytogenetic location: 15q21.1.
Variant type: single nucleotide variant.
Coding change: c.2597T>A on transcript NM_000138.5 (MANE Select); coding-DNA position 2597, T replaced by A.
Protein change: p.Ile866Asn; replaces isoleucine 866 with asparagine.
Molecular consequence: missense variant.
Genome position (GRCh38, 1-based): chr15:48,495,203, A>T on the plus strand (T>A on the coding strand, the complement: FBN1 is on the minus strand). VCF-style: chr15-48495203-A-T. GRCh37 (hg19) VCF-style: chr15-48787400-A-T.
Other names: c.2597T>A, p.Ile866Asn (NM_001406716.1); short protein forms I866N.
Identifiers: ClinVar variation 2937530 (VCV002937530.3), dbSNP rs2505570991, ClinGen allele CA392332611.